The following is an entry in ClinVar:

NM_000548.5(TSC2):c.2936G>C (p.Ser979Thr)

Gene: TSC2 (TSC complex subunit 2; plus strand). Cytogenetic location: 16p13.3.
Variant type: single nucleotide variant.
Coding change: c.2936G>C on transcript NM_000548.5 (MANE Select); coding-DNA position 2936, G replaced by C.
Protein change: p.Ser979Thr; replaces serine 979 with threonine.
Molecular consequence: missense variant. On other transcripts: intron variant (9).
Genome position (GRCh38, 1-based): chr16:2,077,696, G>C. VCF-style: chr16-2077696-G-C. GRCh37 (hg19) VCF-style: chr16-2127697-G-C.
Other names: c.2936G>C, p.Ser979Thr (NM_001114382.3); c.2837+1111G>C (NM_021055.3, NM_001370405.1, NM_001363528.2 and 2 more transcripts); c.2726+1111G>C (NM_001318827.2); c.2237+1111G>C (NM_001318831.2); c.2690+1111G>C (NM_001318829.2); c.2870+1111G>C (NM_001318832.2); short protein forms S979T.
Identifiers: ClinVar variation 1424671 (VCV001424671.8), dbSNP rs2151416062, ClinGen allele CA394281429.
Genomic context (GRCh38, chr16:2,077,696, plus strand): 5'-ACTCTCCACCCGTGAAAGAATTCAAGGAGAGCTCTGCAGCCGAGGCCTTCCGGTGCCGCA[G>C]CATCAGTGTGTCTGAACATGTGGTCCGCAGGTAGCGGGACTGTCGGGTGGGGGGCACGGA-3'
Protein context (NP_000539.2, residues 969-989): SSAAEAFRCR[Ser979Thr]ISVSEHVVRS

ClinVar aggregate classification (germline): Uncertain significance (1 of 4 stars; one submission).

Conditions:
Tuberous sclerosis 2 (TSC2). Identifiers: Orphanet 805, MedGen C1860707, MONDO:0013199, OMIM 613254.

Submission:

Labcorp Genetics (formerly Invitae), Labcorp
Classification: Uncertain significance for Tuberous sclerosis 2. Last evaluated: 2025-05-12. Review status: criteria provided, single submitter. Criteria: Invitae Variant Classification Sherloc (09022015). Collection method: clinical testing. Allele origin: germline.
Comment: This sequence change replaces serine, which is neutral and polar, with threonine, which is neutral and polar, at codon 979 of the TSC2 protein (p.Ser979Thr). This variant is not present in population databases (gnomAD no frequency). This variant has not been reported in the literature in individuals affected with TSC2-related conditions. ClinVar contains an entry for this variant (Variation ID: 1424671). Invitae Evidence Modeling of protein sequence and biophysical properties (such as structural, functional, and spatial information, amino acid conservation, physicochemical variation, residue mobility, and thermodynamic stability) indicates that this missense variant is not expected to disrupt TSC2 protein function with a negative predictive value of 95%. In summary, the available evidence is currently insufficient to determine the role of this variant in disease. Therefore, it has been classified as a Variant of Uncertain Significance.